The following is an entry in ClinVar:

NM_015978.3(TNNI3K):c.1952A>G (p.Tyr651Cys)

Genes: FPGT-TNNI3K (FPGT-TNNI3K readthrough; plus strand), TNNI3K (TNNI3 interacting kinase; plus strand). Cytogenetic location: 1p31.1.
Variant type: single nucleotide variant.
Coding change: c.1952A>G on transcript NM_015978.3 (MANE Select); coding-DNA position 1952, A replaced by G.
Protein change: p.Tyr651Cys; replaces tyrosine 651 with cysteine.
Molecular consequence: missense variant.
Genome position (GRCh38, 1-based): chr1:74,439,563, A>G. VCF-style: chr1-74439563-A-G. GRCh37 (hg19) VCF-style: chr1-74905247-A-G.
Other names: c.2255A>G, p.Tyr752Cys (NM_001112808.3, NM_001199327.2); short protein forms Y752C, Y651C.
Identifiers: ClinVar variation 1989487 (VCV001989487.4), dbSNP rs754437423, ClinGen allele CA909521.

ClinVar aggregate classification (germline): Uncertain significance (1 of 4 stars; one submission).

Allele frequency attached by ClinVar (database versions not stated): ExAC 0.00001; gnomAD exomes 0.00002.
gnomAD v4.1: 25 of 1,613,478 alleles (0.0015%); highest among the groups gnomAD compares: Non-Finnish European, 0.0019%; no homozygotes.

Submission:

Labcorp Genetics (formerly Invitae), Labcorp
Classification: Uncertain significance. Last evaluated: 2024-11-21. Review status: criteria provided, single submitter. Criteria: Invitae Variant Classification Sherloc (09022015). Collection method: clinical testing. Allele origin: germline.
Comment: This sequence change replaces tyrosine, which is neutral and polar, with cysteine, which is neutral and slightly polar, at codon 651 of the TNNI3K protein (p.Tyr651Cys). This variant is present in population databases (rs754437423, gnomAD 0.002%). This variant has not been reported in the literature in individuals affected with TNNI3K-related conditions. ClinVar contains an entry for this variant (Variation ID: 1989487). An algorithm developed to predict the effect of missense changes on protein structure and function outputs the following: PolyPhen-2: "Benign". The cysteine amino acid residue is found in multiple mammalian species, which suggests that this missense change does not adversely affect protein function. In summary, the available evidence is currently insufficient to determine the role of this variant in disease. Therefore, it has been classified as a Variant of Uncertain Significance.